The following is an entry in ClinVar:

NM_000191.3(HMGCL):c.294T>A (p.Phe98Leu)

Gene: HMGCL (3-hydroxy-3-methylglutaryl-CoA lyase; minus strand). Cytogenetic location: 1p36.11.
Variant type: single nucleotide variant.
Coding change: c.294T>A on transcript NM_000191.3 (MANE Select); coding-DNA position 294, T replaced by A.
Protein change: p.Phe98Leu; replaces phenylalanine 98 with leucine.
Molecular consequence: missense variant.
Genome position (GRCh38, 1-based): chr1:23,816,729, A>T on the plus strand (T>A on the coding strand, the complement: HMGCL is on the minus strand). VCF-style: chr1-23816729-A-T. GRCh37 (hg19) VCF-style: chr1-24143219-A-T.
Other names: c.294T>A, p.Phe98Leu (NM_001166059.2); short protein forms F98L.
Identifiers: ClinVar variation 2180867 (VCV002180867.1), dbSNP rs759086876, ClinGen allele CA686136.

ClinVar aggregate classification (germline): Uncertain significance (1 of 4 stars; one submission).

Conditions:
Deficiency of hydroxymethylglutaryl-CoA lyase (HMGCLD). Also called: Defect in leucine metabolism; 3-hydroxy-3-methylglutaric aciduria; HMG-CoA LYASE DEFICIENCY; HMGCL DEFICIENCY; HYDROXYMETHYLGLUTARIC ACIDURIA. Identifiers: Orphanet 20, MedGen C1533587, MONDO:0009520, OMIM 246450.

Allele frequency attached by ClinVar (database versions not stated): ExAC 0.00001; TOPMed 0.00001; gnomAD 0.00002; gnomAD exomes 0.00003.
gnomAD v4.1: 20 of 1,613,762 alleles (0.0012%); highest among the groups gnomAD compares: East Asian, 0.045%; no homozygotes.

Submission:

Labcorp Genetics (formerly Invitae), Labcorp
Classification: Uncertain significance for Deficiency of hydroxymethylglutaryl-CoA lyase. Last evaluated: 2022-08-18. Review status: criteria provided, single submitter. Criteria: Invitae Variant Classification Sherloc (09022015). Collection method: clinical testing. Allele origin: germline.
Comment: This sequence change replaces phenylalanine, which is neutral and non-polar, with leucine, which is neutral and non-polar, at codon 98 of the HMGCL protein (p.Phe98Leu). This variant is present in population databases (rs759086876, gnomAD 0.01%). This variant has not been reported in the literature in individuals affected with HMGCL-related conditions. Algorithms developed to predict the effect of missense changes on protein structure and function (SIFT, PolyPhen-2, Align-GVGD) all suggest that this variant is likely to be tolerated. In summary, the available evidence is currently insufficient to determine the role of this variant in disease. Therefore, it has been classified as a Variant of Uncertain Significance.